The following is an entry in ClinVar:

NM_015378.4(VPS13D):c.2007_2008delinsTT (p.Ala670Ser)

Gene: VPS13D (vacuolar protein sorting 13 homolog D; plus strand). Cytogenetic location: 1p36.22.
Variant type: Indel.
Coding change: c.2007_2008delinsTT on transcript NM_015378.4 (MANE Select); coding-DNA positions 2007 to 2008, GG replaced by TT.
Protein change: p.Ala670Ser; replaces alanine 670 with serine.
Molecular consequence: missense variant.
Genome position (GRCh38, 1-based): chr1:12,271,028-12,271,029, GG replaced by TT. VCF-style: chr1-12271028-GG-TT. GRCh37 (hg19) VCF-style: chr1-12331085-GG-TT.
Other names: c.2007_2008delinsTT, p.Ala670Ser (NM_018156.4); short protein forms A670S.
Identifiers: ClinVar variation 2192573 (VCV002192573.4), dbSNP rs2523994629, ClinGen allele CA2580060551.
Genomic context (GRCh38, chr1:12,271,028, plus strand): 5'-TCTGCTGTGTATTTCCAACCTTGCAGGTTTTGGTTATCAGTCTGAACTTGAGCTGAGAGT[GG>TT]CTGAAGCTGCCCGAAGACAATATAACAAGCTGAAGATGCAGACCAAGGCAGAAATCCGGC-3'
Protein context (NP_056193.2, residues 660-680): GYQSELELRV[Ala670Ser]EAARRQYNKL

ClinVar aggregate classification (germline): Uncertain significance (1 of 4 stars; one submission).

Submission:

Labcorp Genetics (formerly Invitae), Labcorp
Classification: Uncertain significance. Last evaluated: 2022-05-23. Review status: criteria provided, single submitter. Criteria: Invitae Variant Classification Sherloc (09022015). Collection method: clinical testing. Allele origin: germline.
Comment: This sequence change replaces alanine, which is neutral and non-polar, with serine, which is neutral and polar, at codon 670 of the VPS13D protein (p.Ala670Ser). In summary, the available evidence is currently insufficient to determine the role of this variant in disease. Therefore, it has been classified as a Variant of Uncertain Significance. Experimental studies and prediction algorithms are not available or were not evaluated, and the functional significance of this variant is currently unknown. This variant has not been reported in the literature in individuals affected with VPS13D-related conditions. Information on the frequency of this variant in the gnomAD database is not available, as this variant may be reported differently in the database.